The following is an entry in ClinVar:

NM_006277.3(ITSN2):c.150A>G (p.Leu50=)

Gene: ITSN2 (intersectin 2; minus strand). Cytogenetic location: 2p23.3.
Variant type: single nucleotide variant.
Coding change: c.150A>G on transcript NM_006277.3 (MANE Select); coding-DNA position 150, A replaced by G.
Protein change: p.Leu50=; no amino-acid change (leucine 50 retained).
Molecular consequence: synonymous variant.
Genome position (GRCh38, 1-based): chr2:24,313,498, T>C on the plus strand (A>G on the coding strand, the complement: ITSN2 is on the minus strand). VCF-style: chr2-24313498-T-C. GRCh37 (hg19) VCF-style: chr2-24536367-T-C.
Other names: c.108A>G, p.Leu36= (NM_001348181.2, NM_001348184.2); c.150A>G, p.Leu50= (NM_001348182.2, NM_001348183.2, NM_001348185.2 and 3 more transcripts).
Identifiers: ClinVar variation 3032308 (VCV003032308.2), dbSNP rs202087027, ClinGen allele CA1551850.

ClinVar aggregate classification (germline): Likely benign (0 of 4 stars; one submission).

Conditions:
ITSN2-related disorder. Also called: ITSN2-related condition.

Allele frequency attached by ClinVar (database versions not stated): ExAC 0.00002; gnomAD exomes 0.00002; TOPMed 0.00003; gnomAD 0.00004; 1000 Genomes Project 0.00020; 1000 Genomes Project 30x 0.00031.
gnomAD v4.1: 29 of 1,613,396 alleles (0.0018%); highest among the groups gnomAD compares: Middle Eastern, 0.017%; 1 homozygote.

Submission:

PreventionGenetics, part of Exact Sciences
Classification: Likely benign for ITSN2-related condition. Last evaluated: 2021-05-11. Review status: no assertion criteria provided. Collection method: clinical testing. Allele origin: germline.
Comment: This variant is classified as likely benign based on ACMG/AMP sequence variant interpretation guidelines (Richards et al. 2015 PMID: 25741868, with internal and published modifications).